The following is an entry in ClinVar:

ClinVar aggregate classification (germline): Uncertain significance (1 of 4 stars; one submission).

Conditions:
Familial adenomatous polyposis 1 (FAP1). Also called: POLYPOSIS, ADENOMATOUS INTESTINAL; FAMILIAL ADENOMATOUS POLYPOSIS 1, ATTENUATED. Identifiers: MedGen C2713442, MONDO:0021056, OMIM 175100. Disease mechanism: loss of function.

Allele frequency attached by ClinVar (database versions not stated): gnomAD exomes below 0.00001.
gnomAD v4.1: 1 of 1,614,170 alleles (0.000062%); highest among the groups gnomAD compares: Non-Finnish European, 0.000085%; no homozygotes.

Submission:

Labcorp Genetics (formerly Invitae), Labcorp
Classification: Uncertain significance for Familial adenomatous polyposis 1. Last evaluated: 2022-03-05. Review status: criteria provided, single submitter. Criteria: Invitae Variant Classification Sherloc (09022015). Collection method: clinical testing. Allele origin: germline.
Comment: This variant has not been reported in the literature in individuals affected with APC-related conditions. ClinVar contains an entry for this variant (Variation ID: 469764). Algorithms developed to predict the effect of missense changes on protein structure and function are either unavailable or do not agree on the potential impact of this missense change (SIFT: "Deleterious"; PolyPhen-2: "Benign"; Align-GVGD: "Class C0"). In summary, the available evidence is currently insufficient to determine the role of this variant in disease. Therefore, it has been classified as a Variant of Uncertain Significance. This variant is present in population databases (no rsID available, gnomAD 0.0009%). This sequence change replaces alanine, which is neutral and non-polar, with threonine, which is neutral and polar, at codon 885 of the APC protein (p.Ala885Thr).

NM_000038.6(APC):c.2653G>A (p.Ala885Thr)

Gene: APC (APC regulator of Wnt signaling pathway; plus strand). Cytogenetic location: 5q22.2.
Variant type: single nucleotide variant.
Coding change: c.2653G>A on transcript NM_000038.6 (MANE Select); coding-DNA position 2653, G replaced by A.
Protein change: p.Ala885Thr; replaces alanine 885 with threonine.
Molecular consequence: missense variant.
Genome position (GRCh38, 1-based): chr5:112,838,247, G>A. VCF-style: chr5-112838247-G-A. GRCh37 (hg19) VCF-style: chr5-112173944-G-A.
Other names: c.2653G>A, p.Ala885Thr (NM_001127510.3, NM_001354895.2); c.2599G>A, p.Ala867Thr (NM_001127511.3); c.2707G>A, p.Ala903Thr (NM_001354896.2); c.2683G>A, p.Ala895Thr (NM_001354897.2); c.2578G>A, p.Ala860Thr (NM_001354898.2); c.2569G>A, p.Ala857Thr (NM_001354899.2); c.2530G>A, p.Ala844Thr (NM_001354900.2); c.2476G>A, p.Ala826Thr (NM_001354901.2); and 5 more; short protein forms A867T, A885T, A784T, A844T, A860T, A602T, A759T, A895T.
Identifiers: ClinVar variation 469764 (VCV000469764.12), dbSNP rs1344158460, ClinGen allele CA16027124.
Genomic context (GRCh38, chr5:112,838,247, plus strand): 5'-CCAGCAACAGAAAATCCAGGAACTTCTTCAAAGCGAGGTTTGCAGATCTCCACCACTGCA[G>A]CCCAGATTGCCAAAGTCATGGAAGAAGTGTCAGCCATTCATACCTCTCAGGAAGACAGAA-3'
Protein context (NP_000029.2, residues 875-895): KRGLQISTTA[Ala885Thr]QIAKVMEEVS